The following is an entry in ClinVar:

NM_001291303.3(FAT4):c.1903G>A (p.Asp635Asn)

Gene: FAT4 (FAT atypical cadherin 4; plus strand). Cytogenetic location: 4q28.1.
Variant type: single nucleotide variant.
Coding change: c.1903G>A on transcript NM_001291303.3 (MANE Select); coding-DNA position 1903, G replaced by A.
Protein change: p.Asp635Asn; replaces aspartic acid 635 with asparagine.
Molecular consequence: missense variant.
Genome position (GRCh38, 1-based): chr4:125,318,314, G>A. VCF-style: chr4-125318314-G-A. GRCh37 (hg19) VCF-style: chr4-126239469-G-A.
Other names: c.1903G>A, p.Asp635Asn (NM_001291285.3, NM_024582.6); short protein forms D635N.
Identifiers: ClinVar variation 1803437 (VCV001803437.1), dbSNP rs374308807, ClinGen allele CA3072076.
Genomic context (GRCh38, chr4:125,318,314, plus strand): 5'-AACGGAACAGTGCGCTTCTCCTTACAAGAGGCAGAGACTGACCGGAGGTCCTTCCGTCTG[G>A]ATCCTGTGTCTGGGAGGTTGAGTACTATTTCCTCCTTGGACAGAGAAGAGCAAGCCTTCT-3'
Protein context (NP_001278232.1, residues 625-645): AETDRRSFRL[Asp635Asn]PVSGRLSTIS

ClinVar aggregate classification (germline): Uncertain significance (1 of 4 stars; one submission).

Submission:

GeneDx
Classification: Uncertain significance. Last evaluated: 2022-05-11. Review status: criteria provided, single submitter. Criteria: GeneDx Variant Classification Process June 2021. Collection method: clinical testing. Allele origin: germline. Affected: yes.
Comment: In silico analysis supports that this missense variant has a deleterious effect on protein structure/function; Has not been previously published as pathogenic or benign to our knowledge